The following is an entry in ClinVar:

NM_000548.5(TSC2):c.1939G>A (p.Asp647Asn)

Gene: TSC2 (TSC complex subunit 2; plus strand). Cytogenetic location: 16p13.3.
Variant type: single nucleotide variant.
Coding change: c.1939G>A on transcript NM_000548.5 (MANE Select); coding-DNA position 1939, G replaced by A.
Protein change: p.Asp647Asn; replaces aspartic acid 647 with asparagine.
Molecular consequence: missense variant.
Genome position (GRCh38, 1-based): chr16:2,071,609, G>A. VCF-style: chr16-2071609-G-A. GRCh37 (hg19) VCF-style: chr16-2121610-G-A.
Other names: p.D647N:GAC>AAC; c.1939G>A, p.Asp647Asn (NM_001077183.3, NM_001114382.3, NM_001363528.2 and 3 more transcripts); c.1828G>A, p.Asp610Asn (NM_001318827.2); c.1792G>A, p.Asp598Asn (NM_001318829.2); c.1339G>A, p.Asp447Asn (NM_001318831.2); c.1972G>A, p.Asp658Asn (NM_001318832.2); c.1939G>A (NM_000548.4); short protein forms D647N, D447N, D610N, D598N, D658N.
Identifiers: ClinVar variation 41731 (VCV000041731.64), dbSNP rs45509392, ClinGen allele CA016233.

ClinVar aggregate classification (germline): Conflicting classifications of pathogenicity. Review status: criteria provided, conflicting classifications (1 of 4 stars). 19 submissions from 19 submitters: Uncertain significance (3); Benign (8); Likely benign (4). 4 of the submissions do not count toward it. Last evaluated 2026-02-03.

Conditions:
TSC2-related disorder. Also called: TSC2-Related Disorders; TSC2-related condition.
Hereditary cancer-predisposing syndrome. Also called: Tumor predisposition; Neoplastic Syndromes, Hereditary; Hereditary Cancer Syndrome; Hereditary neoplastic syndrome. Identifiers: Orphanet 140162, MedGen C0027672, MeSH D009386, MONDO:0015356.
Tuberous sclerosis syndrome (TSC). Also called: Tuberous Sclerosis Complex; Tuberous sclerosis. Identifiers: Orphanet 805, MedGen C0041341, MONDO:0001734.
Tuberous sclerosis 2 (TSC2). Identifiers: Orphanet 805, MedGen C1860707, MONDO:0013199, OMIM 613254.

Allele frequency attached by ClinVar (database versions not stated): ESP Exome Variant Server 0.00008; TOPMed 0.00009; gnomAD 0.00015; 1000 Genomes Project 30x 0.00031; 1000 Genomes Project 0.00040.
gnomAD v4.1: 269 of 1,613,358 alleles (0.017%); highest among the groups gnomAD compares: East Asian, 0.047%; no homozygotes.

Submissions (19):

Labcorp Genetics (formerly Invitae), Labcorp
Classification: Benign for Tuberous sclerosis 2. Last evaluated: 2026-02-03. Review status: criteria provided, single submitter. Criteria: Invitae Variant Classification Sherloc (09022015). Collection method: clinical testing. Allele origin: germline.

Myriad Genetics, Inc.
Classification: Likely benign for Tuberous sclerosis 2. Last evaluated: 2025-05-16. Review status: criteria provided, single submitter. Criteria: Myriad Autosomal Dominant, Autosomal Recessive and X-Linked Classification Criteria (2023). Collection method: clinical testing. Allele origin: unknown.
Comment: This variant is considered likely benign. This variant has been observed at a population frequency that is significantly greater than expected given the associated disease prevalence and penetrance.

Laboratory of Genetics, Children's Clinical University Hospital Latvia
Classification: Benign. Last evaluated: 2025-02-16. Review status: criteria provided, single submitter. Criteria: ACMG Guidelines, 2015. Collection method: clinical testing. Allele origin: germline. Affected: yes.

Athena Diagnostics
Classification: Benign. Last evaluated: 2024-10-09. Review status: criteria provided, single submitter. Criteria: Athena Diagnostics Criteria. Collection method: clinical testing. Allele origin: unknown.

Blueprint Genetics
Classification: Likely benign. Last evaluated: 2024-09-30. Review status: criteria provided, single submitter. Criteria: ACMG Guidelines, 2015. Collection method: clinical testing. Allele origin: germline.

CeGaT Center for Human Genetics Tuebingen
Classification: Benign. Last evaluated: 2022-10-01. Review status: criteria provided, single submitter. Criteria: CeGaT Center For Human Genetics Tuebingen Variant Classification Criteria Version 2. Collection method: clinical testing. Allele origin: germline. Affected: yes. Observed: 2 variant alleles.
Comment: TSC2: BS1, BS2

Color Diagnostics, LLC DBA Color Health
Classification: Likely benign for Tuberous sclerosis syndrome. Last evaluated: 2022-08-31. Review status: criteria provided, single submitter. Criteria: ACMG Guidelines, 2015. Collection method: clinical testing. Allele origin: germline.

MGZ Medical Genetics Center
Classification: Uncertain significance for Tuberous sclerosis 2. Last evaluated: 2022-05-31. Review status: criteria provided, single submitter. Criteria: ACMG Guidelines, 2015. Collection method: clinical testing. Allele origin: germline. Affected: yes. Observed: 1 variant allele.
Comment: ACMG criteria applied: PP3, BS1

Genome-Nilou Lab
Classification: Benign for Tuberous sclerosis 2. Last evaluated: 2021-11-07. Review status: criteria provided, single submitter. Criteria: ACMG Guidelines, 2015. Collection method: clinical testing. Allele origin: germline. Affected: no.

Institute for Clinical Genetics, University Hospital TU Dresden, University Hospital TU Dresden
Classification: Uncertain significance. Last evaluated: 2021-11-03. Review status: criteria provided, single submitter. Criteria: ACMG Guidelines, 2015. Collection method: clinical testing. Allele origin: germline.

Sema4
Classification: Benign for Hereditary cancer-predisposing syndrome. Last evaluated: 2021-09-25. Review status: criteria provided, single submitter. Criteria: Sema4 Curation Guidelines. Collection method: curation. Allele origin: germline.

ARUP Laboratories, Molecular Genetics and Genomics, ARUP Laboratories
Classification: Uncertain significance. Last evaluated: 2021-04-24. Review status: criteria provided, single submitter. Criteria: ARUP Molecular Germline Variant Investigation Process 2021. Collection method: clinical testing. Allele origin: germline.
Comment: The TSC2 c.1939G>A: p.Asp647Asn variant (rs45509392) was reported in several individuals with TSC (Zhang 1999, Hung 2006). In one individual this variant co-occurred with TSC2 variant of uncertain significance p.His137Arg (Zhang 1999). The p.Asp647Asn variant is also reported in the ClinVar database (Variation ID: 41731). It is found in the general population with an overall allele frequency of 0.03% (97/281556 alleles), with an increased frequency of 0.1% in the Finnish population (Genome Aggregation Database). The aspartate at codon 647 is highly conserved, but computational analyses are uncertain whether this variant is neutral or deleterious (REVEL: 0.679). Due to limited information, the clinical significance of this variant is uncertain at this time. References: Hung CC et al. Molecular and clinical analyses of 84 patients with tuberous sclerosis complex. BMC Med Genet. 2006 Sep 18;7:72. PMID: 16981987. Zhang H et al. Mutational analysis of TSC1 and TSC2 genes in Japanese patients with tuberous sclerosis complex. J Hum Genet. 1999;44(6):391-6. PMID: 10570911.

GeneDx
Classification: Benign. Last evaluated: 2020-03-09. Review status: criteria provided, single submitter. Criteria: GeneDx Variant Classification Process June 2021. Collection method: clinical testing. Allele origin: germline. Affected: yes.
Comment: This variant is associated with the following publications: (PMID: 26332594, 16981987, 10570911, 25637381, 17304050, 22703879)

Mendelics
Classification: Benign for Tuberous sclerosis 2. Last evaluated: 2019-05-28. Review status: criteria provided, single submitter. Criteria: Mendelics Assertion Criteria 2017. Collection method: clinical testing. Allele origin: unknown.

Ambry Genetics
Classification: Likely benign for Hereditary cancer-predisposing syndrome. Last evaluated: 2018-06-06. Review status: criteria provided, single submitter. Criteria: Ambry Variant Classification Scheme 2023. Collection method: clinical testing. Allele origin: germline.

PreventionGenetics, part of Exact Sciences
Classification: Likely benign for TSC2-related condition. Last evaluated: 2023-02-09. Review status: no assertion criteria provided. Collection method: clinical testing. Allele origin: germline. Not counted in ClinVar's aggregate classification.
Comment: This variant is classified as likely benign based on ACMG/AMP sequence variant interpretation guidelines (Richards et al. 2015 PMID: 25741868, with internal and published modifications).

CSER _CC_NCGL, University of Washington
Classification: Uncertain significance for Tuberous sclerosis. Last evaluated: 2014-06-01. Review status: no assertion criteria provided. Collection method: research. Allele origin: germline. Inheritance: Autosomal dominant inheritance. Study: ESP 6500 variant annotation. Not counted in ClinVar's aggregate classification.
Comment: Variants classified for the Actionable exomic incidental findings in 6503 participants: challenges of variant classification manuscript

Biesecker Lab/Clinical Genomics Section, National Institutes of Health
Classification: Uncertain significance. Last evaluated: 2012-07-13. Review status: no assertion criteria provided. Collection method: research. Allele origin: germline. Affected: no. Observed: 1 variant allele. Study: ClinSeq. Not counted in ClinVar's aggregate classification.
ClinVar note: Converted during submission from variant of unknown significance to Uncertain significance.

Tuberous sclerosis database (TSC2)
No classification provided. Condition: TSC. Review status: no classification provided. Criteria: Tuberous Sclerosis Database Assertion Criteria 2015. Collection method: curation. Allele origin: germline. Affected: yes. Not counted in ClinVar's aggregate classification.

Literature cited by the submitters: PubMed 10570911 (cited by Athena Diagnostics and Ambry Genetics); PubMed 16981987 (cited by Athena Diagnostics and Ambry Genetics); PubMed 17304050 (cited by Athena Diagnostics and Ambry Genetics); PubMed 32917966 (cited by Athena Diagnostics); PubMed 33679864 (cited by Athena Diagnostics); PubMed 31927531 (cited by Athena Diagnostics); PubMed 23389244 (cited by Athena Diagnostics); PubMed 25637381 (cited by Athena Diagnostics and Ambry Genetics); PubMed 34070849 (cited by Athena Diagnostics); PubMed 29642139 (cited by Athena Diagnostics).